The following is an entry in ClinVar:

NM_012301.4(MAGI2):c.1278C>T (p.Ser426=)

Gene: MAGI2 (membrane associated guanylate kinase, WW and PDZ domain containing 2; minus strand). Cytogenetic location: 7q21.11.
Variant type: single nucleotide variant.
Coding change: c.1278C>T on transcript NM_012301.4 (MANE Select); coding-DNA position 1278, C replaced by T.
Protein change: p.Ser426=; no amino-acid change (serine 426 retained).
Molecular consequence: synonymous variant.
Genome position (GRCh38, 1-based): chr7:78,343,908, G>A on the plus strand (C>T on the coding strand, the complement: MAGI2 is on the minus strand). VCF-style: chr7-78343908-G-A. GRCh37 (hg19) VCF-style: chr7-77973225-G-A.
Other names: c.1278C>T, p.Ser426= (NM_001301128.2).
Identifiers: ClinVar variation 4981854 (VCV004981854.1).

ClinVar aggregate classification (germline): Likely benign (1 of 4 stars; one submission).

Conditions:
MAGI2-related disorder. Also called: MAGI2-related condition.

gnomAD v4.1: 3 of 1,613,016 alleles (0.00019%); highest among the groups gnomAD compares: Admixed American, 0.005%; no homozygotes.

Submission:

PreventionGenetics, part of Exact Sciences
Classification: Likely benign for MAGI2-related condition. Last evaluated: 2025-01-03. Review status: criteria provided, single submitter. Criteria: ACMG Guidelines, 2015. Collection method: clinical testing. Allele origin: germline.
Comment: This variant is classified as likely benign based on ACMG/AMP sequence variant interpretation guidelines (Richards et al. 2015 PMID: 25741868, with internal and published modifications).